The following is an entry in ClinVar:

NM_033419.5(PGAP3):c.422C>G (p.Ala141Gly)

Gene: PGAP3 (post-GPI attachment to proteins phospholipase 3; minus strand). Cytogenetic location: 17q12.
Variant type: single nucleotide variant.
Coding change: c.422C>G on transcript NM_033419.5 (MANE Select); coding-DNA position 422, C replaced by G.
Protein change: p.Ala141Gly; replaces alanine 141 with glycine.
Molecular consequence: missense variant. On other transcripts: intron variant (1).
Genome position (GRCh38, 1-based): chr17:39,684,607, G>C on the plus strand (C>G on the coding strand, the complement: PGAP3 is on the minus strand). VCF-style: chr17-39684607-G-C. GRCh37 (hg19) VCF-style: chr17-37840860-G-C.
Other names: c.422C>G, p.Ala141Gly (NM_001291728.2, NM_001291730.2, NM_001291732.2 and 1 more transcripts); c.279+1315C>G (NM_001291726.2); short protein forms A141G.
Identifiers: ClinVar variation 235690 (VCV000235690.36), dbSNP rs35464006, ClinGen allele CA8533376.

ClinVar aggregate classification (germline): Benign/Likely benign. Review status: criteria provided, multiple submitters, no conflicts (2 of 4 stars). 4 submissions from 4 submitters: Benign (1); Likely benign (3). Last evaluated 2026-09-01.

Allele frequency attached by ClinVar (database versions not stated): 1000 Genomes Project 30x 0.00281; 1000 Genomes Project 0.00300; TOPMed 0.00490; ESP Exome Variant Server 0.00600; gnomAD exomes 0.00822; ExAC 0.00854; gnomAD 0.01035.

Submissions (4):

CeGaT Center for Human Genetics Tuebingen
Classification: Likely benign. Last evaluated: 2026-09-01. Review status: criteria provided, single submitter. Criteria: CeGaT Center For Human Genetics Tuebingen Variant Classification Criteria Version 2. Collection method: clinical testing. Allele origin: germline. Affected: yes. Observed: 16 variant alleles.
Comment: PGAP3: BS2

Labcorp Genetics (formerly Invitae), Labcorp
Classification: Benign. Last evaluated: 2026-02-03. Review status: criteria provided, single submitter. Criteria: Invitae Variant Classification Sherloc (09022015). Collection method: clinical testing. Allele origin: germline.

Center for Pediatric Genomic Medicine, Children's Mercy Hospital and Clinics
Classification: Likely benign. Last evaluated: 2015-12-14. Review status: criteria provided, single submitter. Criteria: ACMG Guidelines, 2015. Collection method: clinical testing. Allele origin: germline.
ClinVar note: Converted during submission from Likely Benign to Likely benign.

Breakthrough Genomics
Classification: Likely benign. Review status: criteria provided, single submitter. Criteria: ACMG Guidelines, 2015. Collection method: not provided. Allele origin: germline. Inheritance: Autosomal recessive inheritance. Affected: yes.